The following is an entry in ClinVar:

ClinVar aggregate classification (germline): Pathogenic (1 of 4 stars; one submission).

Conditions:
Treacher Collins syndrome 1 (TCS1). Also called: TCOF1-Related Treacher Collins Syndrome. Identifiers: Orphanet 861, MedGen CN315775, MONDO:0007944, OMIM 154500.

Submission:

Women's Health and Genetics/Laboratory Corporation of America, LabCorp
Classification: Pathogenic for Treacher Collins syndrome 1. Last evaluated: 2024-03-08. Review status: criteria provided, single submitter. Criteria: LabCorp Variant Classification Summary - May 2015. Collection method: clinical testing. Allele origin: germline.
Comment: Variant summary: TCOF1 c.610_625del16 (p.Ser204ArgfsX10) results in a premature termination codon, predicted to cause a truncation of the encoded protein or absence of the protein due to nonsense mediated decay, which are commonly known mechanisms for disease. The variant was absent in 251314 control chromosomes. To our knowledge, no occurrence of c.610_625del16 in individuals affected with Treacher-Collins Syndrome 1 and no experimental evidence demonstrating its impact on protein function have been reported. No submitters have cited clinical-significance assessments for this variant to ClinVar. Based on the evidence outlined above, the variant was classified as pathogenic.

NM_001371623.1(TCOF1):c.610_625del (p.Ser204fs)

Gene: TCOF1 (treacle ribosome biogenesis factor 1; plus strand). Cytogenetic location: 5q32.
Variant type: Deletion.
Coding change: c.610_625del on transcript NM_001371623.1 (MANE Select); coding-DNA positions 610 to 625, 16 bases deleted (TCCAGCTCCAGTGATG).
Protein change: p.Ser204fs; shifts the reading frame from serine 204.
Molecular consequence: frameshift variant.
Genome position (GRCh38, 1-based): chr5:150,369,573-150,369,588, TCCAGCTCCAGTGATG deleted. VCF-style (leftmost placement, unchanged base first): chr5-150369572-CTCCAGCTCCAGTGATG-C. GRCh37 (hg19) VCF-style: chr5-149749135-CTCCAGCTCCAGTGATG-C.
Other names: c.610_625del16 (NM_001135243.2); c.610_625del, p.Ser204fs (NM_000356.4, NM_001008657.3, NM_001135243.2 and 3 more transcripts); short protein forms S204fs.
Identifiers: ClinVar variation 3233580 (VCV003233580.2), dbSNP rs2533129531, ClinGen allele CA2825001425.